The following is an entry in ClinVar:

ClinVar aggregate classification (germline): Uncertain significance (1 of 4 stars; one submission).

Submission:

GeneDx
Classification: Uncertain significance. Last evaluated: 2025-06-15. Review status: criteria provided, single submitter. Criteria: GeneDx Variant Classification Process June 2021. Collection method: clinical testing. Allele origin: germline. Affected: yes.
Comment: Not observed at significant frequency in large population cohorts (gnomAD); In silico analysis supports a deleterious effect on protein structure/function; Has not been previously published as pathogenic or benign to our knowledge

NM_005068.3(SIM1):c.1282_1283inv (p.Ser428Asp)

Genes: SIM1 (SIM bHLH transcription factor 1; minus strand), SIM1-AS1 (SIM1 antisense RNA 1; plus strand). Cytogenetic location: 6q16.3.
Variant type: Inversion.
Coding change: c.1282_1283inv on transcript NM_005068.3 (MANE Select).
Protein change: p.Ser428Asp; replaces serine 428 with aspartic acid.
Molecular consequence: missense variant. On other transcripts: non-coding transcript variant (1).
Genome position: GRCh38 VCF-style: chr6-100393774-GA-TC. GRCh37 (hg19) VCF-style: chr6-100841650-GA-TC.
Other names: c.1282_1283inv, p.Ser428Asp (NM_001374769.1); short protein forms S428D.
Identifiers: ClinVar variation 4537833 (VCV004537833.1).